The following is an entry in ClinVar:

ClinVar aggregate classification (germline): Pathogenic (1 of 4 stars; one submission).

Submission:

Labcorp Genetics (formerly Invitae), Labcorp
Classification: Pathogenic. Last evaluated: 2025-10-21. Review status: criteria provided, single submitter. Criteria: Invitae Variant Classification Sherloc (09022015). Collection method: clinical testing. Allele origin: germline.
Comment: This sequence change creates a premature translational stop signal (p.Glu844*) in the LTBP4 gene. It is expected to result in an absent or disrupted protein product. Loss-of-function variants in LTBP4 are known to be pathogenic (PMID: 19836010, 22829427). This variant is not present in population databases (gnomAD no frequency). This variant has not been reported in the literature in individuals affected with LTBP4-related conditions. Algorithms developed to predict the effect of sequence changes on RNA splicing suggest that this variant may disrupt the consensus splice site. For these reasons, this variant has been classified as Pathogenic.

Literature cited by the submitters: PubMed 19836010; PubMed 22829427.

NM_001042545.2(LTBP4):c.2440G>T (p.Glu814Ter)

Gene: LTBP4 (latent transforming growth factor beta binding protein 4; plus strand). Cytogenetic location: 19q13.2.
Variant type: single nucleotide variant.
Coding change: c.2440G>T on transcript NM_001042545.2 (MANE Select); coding-DNA position 2440, G replaced by T.
Protein change: p.Glu814Ter; replaces glutamic acid 814 with a stop codon.
Molecular consequence: nonsense.
Genome position (GRCh38, 1-based): chr19:40,613,412, G>T. VCF-style: chr19-40613412-G-T. GRCh37 (hg19) VCF-style: chr19-41119318-G-T.
Other names: c.2641G>T, p.Glu881Ter (NM_001042544.1); c.2530G>T, p.Glu844Ter (NM_003573.2); short protein forms E814*, E844*, E881*.
Identifiers: ClinVar variation 4767697 (VCV004767697.1).
Genomic context (GRCh38, chr19:40,613,412, plus strand): 5'-TTGTCTGGGAGGCCGGGTCCCGTGACTCCGCCCAATCTCCCGCGTACCCTAGACGTGAAC[G>T]AGTGCCTGGAGGGCGATTTCTGCTTCCCTCACGGCGAGTGCCTCAACACTGACGGCTCCT-3'